The following is an entry in ClinVar:

ClinVar aggregate classification (germline): Uncertain significance (1 of 4 stars; one submission).

Conditions:
Duchenne muscular dystrophy (DMD). Also called: MUSCULAR DYSTROPHY, PSEUDOHYPERTROPHIC PROGRESSIVE, DUCHENNE TYPE; Duchenne Muscular Dystrophy (DMD). Identifiers: Orphanet 98896, MedGen C0013264, MONDO:0010679, OMIM 310200.

Submission:

Labcorp Genetics (formerly Invitae), Labcorp
Classification: Uncertain significance for Duchenne muscular dystrophy. Last evaluated: 2022-03-09. Review status: criteria provided, single submitter. Criteria: Invitae Variant Classification Sherloc (09022015). Collection method: clinical testing. Allele origin: germline.
Comment: In summary, the available evidence is currently insufficient to determine the role of this variant in disease. Therefore, it has been classified as a Variant of Uncertain Significance. Algorithms developed to predict the effect of missense changes on protein structure and function are either unavailable or do not agree on the potential impact of this missense change (SIFT: "Tolerated"; PolyPhen-2: "Possibly Damaging"; Align-GVGD: "Class C0"). ClinVar contains an entry for this variant (Variation ID: 1024444). This variant has not been reported in the literature in individuals affected with DMD-related conditions. This variant is not present in population databases (gnomAD no frequency). This sequence change replaces histidine, which is basic and polar, with leucine, which is neutral and non-polar, at codon 273 of the DMD protein (p.His273Leu).

NM_004006.3(DMD):c.818A>T (p.His273Leu)

Gene: DMD (dystrophin; minus strand). Cytogenetic location: Xp21.1.
Variant type: single nucleotide variant.
Coding change: c.818A>T on transcript NM_004006.3 (MANE Select); coding-DNA position 818, A replaced by T.
Protein change: p.His273Leu; replaces histidine 273 with leucine.
Molecular consequence: missense variant.
Genome position (GRCh38, 1-based): chrX:32,699,125, T>A on the plus strand (A>T on the coding strand, the complement: DMD is on the minus strand). VCF-style: chrX-32699125-T-A. GRCh37 (hg19) VCF-style: chrX-32717242-T-A.
Other names: c.794A>T, p.His265Leu (NM_000109.4); c.806A>T, p.His269Leu (NM_004009.3); c.449A>T, p.His150Leu (NM_004010.3); short protein forms H150L, H265L, H269L, H273L.
Identifiers: ClinVar variation 1024444 (VCV001024444.11), dbSNP rs771696085, ClinGen allele CA412668808.